The following is an entry in ClinVar:

ClinVar aggregate classification (germline): Uncertain significance. Review status: criteria provided, multiple submitters, no conflicts (2 of 4 stars). 2 submissions from 2 submitters: Uncertain significance (2). Last evaluated 2023-09-01.

Conditions:
Cardiovascular phenotype. Identifiers: MedGen CN230736.

Allele frequency attached by ClinVar (database versions not stated): ExAC 0.00002; gnomAD 0.00003; TOPMed 0.00003.
gnomAD v4.1: 22 of 1,613,998 alleles (0.0014%); highest among the groups gnomAD compares: Middle Eastern, 0.016%; no homozygotes.

Submissions (2):

Ambry Genetics
Classification: Uncertain significance for Cardiovascular phenotype. Last evaluated: 2023-09-01. Review status: criteria provided, single submitter. Criteria: Ambry Variant Classification Scheme 2023. Collection method: clinical testing. Allele origin: germline.
Comment: The p.R329W variant (also known as c.985C>T), located in coding exon 1 of the CHST14 gene, results from a C to T substitution at nucleotide position 985. The arginine at codon 329 is replaced by tryptophan, an amino acid with dissimilar properties. This amino acid position is conserved. In addition, this alteration is predicted to be tolerated by in silico analysis. Since supporting evidence is limited at this time, the clinical significance of this alteration remains unclear.

Blueprint Genetics
Classification: Uncertain significance. Last evaluated: 2022-03-02. Review status: criteria provided, single submitter. Criteria: ACMG Guidelines, 2015. Collection method: clinical testing. Allele origin: germline.

NM_130468.4(CHST14):c.985C>T (p.Arg329Trp)

Gene: CHST14 (carbohydrate sulfotransferase 14; plus strand). Cytogenetic location: 15q15.1.
Variant type: single nucleotide variant.
Coding change: c.985C>T on transcript NM_130468.4 (MANE Select); coding-DNA position 985, C replaced by T.
Protein change: p.Arg329Trp; replaces arginine 329 with tryptophan.
Molecular consequence: missense variant.
Genome position (GRCh38, 1-based): chr15:40,472,198, C>T. VCF-style: chr15-40472198-C-T. GRCh37 (hg19) VCF-style: chr15-40764397-C-T.
Other names: short protein forms R329W.
Identifiers: ClinVar variation 2586596 (VCV002586596.3), dbSNP rs768938583, ClinGen allele CA7481679.
Genomic context (GRCh38, chr15:40,472,198, plus strand): 5'-GTGCTGGAGTGGGTACGGGCACCACCTCACGTCCGATTTCCAGCTCGCCAGGCCTGGTAC[C>T]GGCCAGCCAGCCCCGAAAGCCTGCATTACCACTTGTGCAGTGCCCCCCGGGCCCTGCTGC-3'
Protein context (NP_569735.1, residues 319-339): VRFPARQAWY[Arg329Trp]PASPESLHYH